The following is an entry in ClinVar:

NM_182961.4(SYNE1):c.21131G>A (p.Arg7044Lys)

Gene: SYNE1 (spectrin repeat containing nuclear envelope protein 1; minus strand). Cytogenetic location: 6q25.2.
Variant type: single nucleotide variant.
Coding change: c.21131G>A on transcript NM_182961.4 (MANE Select); coding-DNA position 21131, G replaced by A.
Protein change: p.Arg7044Lys; replaces arginine 7044 with lysine.
Molecular consequence: missense variant.
Genome position (GRCh38, 1-based): chr6:152,230,611, C>T on the plus strand (G>A on the coding strand, the complement: SYNE1 is on the minus strand). VCF-style: chr6-152230611-C-T. GRCh37 (hg19) VCF-style: chr6-152551746-C-T.
Other names: c.20918G>A, p.Arg6973Lys (NM_033071.5); short protein forms R6973K, R7044K.
Identifiers: ClinVar variation 1807217 (VCV001807217.6), dbSNP rs1334310432, ClinGen allele CA366112211.
Genomic context (GRCh38, chr6:152,230,611, plus strand): 5'-CAGTCTTTCAGTGCATTTTGAACAGAAGCCTGATCTCCAATTCGATGCTGTTGTTTTAGT[C>T]TCTTTTCCTGGGTTTCAAACCATGTTTTCAGACATTGTACATTATTTTCATATTCTGACC-3'
Protein context (NP_892006.3, residues 7034-7054): LKTWFETQEK[Arg7044Lys]LKQQHRIGDQ

ClinVar aggregate classification (germline): Uncertain significance. Review status: criteria provided, multiple submitters, no conflicts (2 of 4 stars). 2 submissions from 2 submitters: Uncertain significance (2). Last evaluated 2023-04-12.

Conditions:
Emery-Dreifuss muscular dystrophy 4, autosomal dominant (EDMD4). Also called: EMERY-DREIFUSS MUSCULAR DYSTROPHY 4 WITH VARIABLE FEATURES. Identifiers: Orphanet 261, MedGen C2751807, MONDO:0013071, OMIM 612998.
Autosomal recessive ataxia, Beauce type. Also called: SYNE1-Related Autosomal Recessive Cerebellar Ataxia; SYNE1 Deficiency; Spinocerebellar ataxia, autosomal recessive 8; ATAXIA, RECESSIVE, OF BEAUCE. Identifiers: Orphanet 88644, MedGen C1853116, MONDO:0012549, OMIM 610743.

gnomAD v4.1: 8 of 1,614,068 alleles (0.0005%); highest among the groups gnomAD compares: South Asian, 0.0011%; no homozygotes.

Submissions (2):

Labcorp Genetics (formerly Invitae), Labcorp
Classification: Uncertain significance for Emery-Dreifuss muscular dystrophy 4, autosomal dominant; Autosomal recessive ataxia, Beauce type. Last evaluated: 2023-04-12. Review status: criteria provided, single submitter. Criteria: Invitae Variant Classification Sherloc (09022015). Collection method: clinical testing. Allele origin: germline.
Comment: In summary, the available evidence is currently insufficient to determine the role of this variant in disease. Therefore, it has been classified as a Variant of Uncertain Significance. Algorithms developed to predict the effect of missense changes on protein structure and function output the following: SIFT: "Not Available"; PolyPhen-2: "Benign"; Align-GVGD: "Not Available". The lysine amino acid residue is found in multiple mammalian species, which suggests that this missense change does not adversely affect protein function. ClinVar contains an entry for this variant (Variation ID: 1807217). This variant has not been reported in the literature in individuals affected with SYNE1-related conditions. This variant is present in population databases (no rsID available, gnomAD 0.006%). This sequence change replaces arginine, which is basic and polar, with lysine, which is basic and polar, at codon 6973 of the SYNE1 protein (p.Arg6973Lys).

Athena Diagnostics
Classification: Uncertain significance. Last evaluated: 2022-08-12. Review status: criteria provided, single submitter. Criteria: Athena Diagnostics Criteria. Collection method: clinical testing. Allele origin: unknown.